The following is an entry in ClinVar:

NM_213720.3(CHCHD10):c.42-4G>T

Gene: CHCHD10 (coiled-coil-helix-coiled-coil-helix domain containing 10; minus strand). Cytogenetic location: 22q11.23.
Variant type: single nucleotide variant.
Coding change: c.42-4G>T on transcript NM_213720.3 (MANE Select); 4 bases into the intron before coding-DNA position 42, G replaced by T.
Molecular consequence: intron variant.
Genome position (GRCh38, 1-based): chr22:23,767,597, C>A on the plus strand (G>T on the coding strand, the complement: CHCHD10 is on the minus strand). VCF-style: chr22-23767597-C-A. GRCh37 (hg19) VCF-style: chr22-24109784-C-A.
Other names: c.42-4G>T (NM_213720.2, NM_001301339.2).
Identifiers: ClinVar variation 2949685 (VCV002949685.4), dbSNP rs754027063, ClinGen allele CA10145318.

ClinVar aggregate classification (germline): Likely benign. Review status: criteria provided, single submitter (1 of 4 stars). 2 submissions from 2 submitters: Likely benign (1). 1 of the submissions does not count toward it. Last evaluated 2025-09-15.

Conditions:
CHCHD10-related disorder. Also called: CHCHD10-related condition; CHCHD10-Related Disorders. Identifiers: MedGen CN381526.
Lower motor neuron syndrome with late-adult onset (SMAJ). Also called: Spinal muscular atrophy, Jokela type; Late-Onset Spinal Motor Neuronopathy (SMAJ). Identifiers: Orphanet 276435, MedGen C3554398, MONDO:0014025, OMIM 615048.
Autosomal dominant mitochondrial myopathy with exercise intolerance (IMMD). Also called: Myopathy, isolated mitochondrial, autosomal dominant. Identifiers: Orphanet 457050, MedGen C4015513, MONDO:0014532, OMIM 616209.
Frontotemporal dementia and/or amyotrophic lateral sclerosis 2. Also called: FTDALS2. Identifiers: Orphanet 275872, MedGen C4014648, MONDO:0014395, OMIM 615911.

Allele frequency attached by ClinVar (database versions not stated): gnomAD exomes below 0.00001; TOPMed 0.00002.
gnomAD v4.1: 4 of 937,654 alleles (0.00043%); highest among the groups gnomAD compares: African/African-American, 0.007%; no homozygotes.

Submissions (2):

Labcorp Genetics (formerly Invitae), Labcorp
Classification: Likely benign for Lower motor neuron syndrome with late-adult onset; Frontotemporal dementia and/or amyotrophic lateral sclerosis 2; Autosomal dominant mitochondrial myopathy with exercise intolerance. Last evaluated: 2025-09-15. Review status: criteria provided, single submitter. Criteria: Invitae Variant Classification Sherloc (09022015). Collection method: clinical testing. Allele origin: germline.

PreventionGenetics, part of Exact Sciences
Classification: Likely benign for CHCHD10-related condition. Last evaluated: 2023-04-24. Review status: no assertion criteria provided. Collection method: clinical testing. Allele origin: germline. Not counted in ClinVar's aggregate classification.
Comment: This variant is classified as likely benign based on ACMG/AMP sequence variant interpretation guidelines (Richards et al. 2015 PMID: 25741868, with internal and published modifications).